The following is an entry in ClinVar:

ClinVar aggregate classification (germline): Uncertain significance (0 of 4 stars; one submission).

Conditions:
ALG12-related disorder. Also called: ALG12-related condition.

Allele frequency attached by ClinVar (database versions not stated): gnomAD exomes 0.00001.
gnomAD v4.1: 4 of 1,614,140 alleles (0.00025%); highest among the groups gnomAD compares: Non-Finnish European, 0.00025%; no homozygotes.

Submission:

PreventionGenetics, part of Exact Sciences
Classification: Uncertain significance for ALG12-related condition. Last evaluated: 2024-02-29. Review status: no assertion criteria provided. Collection method: clinical testing. Allele origin: germline.
Comment: The ALG12 c.108C>G variant is predicted to result in the amino acid substitution p.Ser36Arg. To our knowledge, this variant has not been reported in the literature or in a large population database, indicating this variant is rare. At this time, the clinical significance of this variant is uncertain due to the absence of conclusive functional and genetic evidence.

NM_024105.4(ALG12):c.108C>G (p.Ser36Arg)

Gene: ALG12 (ALG12 alpha-1,6-mannosyltransferase; minus strand). Cytogenetic location: 22q13.33.
Variant type: single nucleotide variant.
Coding change: c.108C>G on transcript NM_024105.4 (MANE Select); coding-DNA position 108, C replaced by G.
Protein change: p.Ser36Arg; replaces serine 36 with arginine.
Molecular consequence: missense variant.
Genome position (GRCh38, 1-based): chr22:49,913,658, G>C on the plus strand (C>G on the coding strand, the complement: ALG12 is on the minus strand). VCF-style: chr22-49913658-G-C. GRCh37 (hg19) VCF-style: chr22-50307306-G-C.
Other names: short protein forms S36R.
Identifiers: ClinVar variation 3061429 (VCV003061429.2), dbSNP rs2519275612, ClinGen allele CA412081111.
Genomic context (GRCh38, chr22:49,913,658, plus strand): 5'-CCTCACCTGCTCCAGGTCTTGCCAGTGGTAGAGCAGGTCATGTGTGGCCTGCAGGTTGAA[G>C]CTCTCCTCCACTTTGGTGTAGGGACAGATGACCAGGTGGACAGTGGCTACGGCCACCAGC-3'
Protein context (NP_077010.1, residues 26-46): VICPYTKVEE[Ser36Arg]FNLQATHDLL